The following is an entry in ClinVar:

NM_018669.6(WDR4):c.1119G>C (p.Lys373Asn)

Gene: WDR4 (WDR4 tRNA N7-guanosine methyltransferase non-catalytic subunit; minus strand). Cytogenetic location: 21q22.3.
Variant type: single nucleotide variant.
Coding change: c.1119G>C on transcript NM_018669.6 (MANE Select); coding-DNA position 1119, G replaced by C.
Protein change: p.Lys373Asn; replaces lysine 373 with asparagine.
Molecular consequence: missense variant. On other transcripts: non-coding transcript variant (1).
Genome position (GRCh38, 1-based): chr21:42,850,169, C>G on the plus strand (G>C on the coding strand, the complement: WDR4 is on the minus strand). VCF-style: chr21-42850169-C-G. GRCh37 (hg19) VCF-style: chr21-44270279-C-G.
Other names: c.1116G>C, p.Lys372Asn (NM_001260474.2); c.681G>C, p.Lys227Asn (NM_001260475.2, NM_001260476.2, NM_001260477.2 and 1 more transcripts); c.1119G>C, p.Lys373Asn (NM_033661.5); c.1119G>C (NM_018669.4); short protein forms K372N, K227N, K373N.
Identifiers: ClinVar variation 2119481 (VCV002119481.5), dbSNP rs1320830224, ClinGen allele CA410386557.

ClinVar aggregate classification (germline): Uncertain significance. Review status: criteria provided, multiple submitters, no conflicts (2 of 4 stars). 2 submissions from 2 submitters: Uncertain significance (2). Last evaluated 2025-07-16.

Conditions:
Inborn genetic diseases. Identifiers: MedGen C0950123, MeSH D030342.

Allele frequency attached by ClinVar (database versions not stated): gnomAD exomes below 0.00001; TOPMed below 0.00001; gnomAD 0.00001.
gnomAD v4.1: 2 of 1,613,982 alleles (0.00012%); highest among the groups gnomAD compares: Admixed American, 0.0017%; no homozygotes.

Submissions (2):

Ambry Genetics
Classification: Uncertain significance for Inborn genetic diseases. Last evaluated: 2025-07-16. Review status: criteria provided, single submitter. Criteria: Ambry Variant Classification Scheme 2023. Collection method: clinical testing. Allele origin: germline.

Labcorp Genetics (formerly Invitae), Labcorp
Classification: Uncertain significance. Last evaluated: 2024-10-23. Review status: criteria provided, single submitter. Criteria: Invitae Variant Classification Sherloc (09022015). Collection method: clinical testing. Allele origin: germline.
Comment: This sequence change replaces lysine, which is basic and polar, with asparagine, which is neutral and polar, at codon 373 of the WDR4 protein (p.Lys373Asn). This variant is present in population databases (no rsID available, gnomAD 0.003%). This variant has not been reported in the literature in individuals affected with WDR4-related conditions. ClinVar contains an entry for this variant (Variation ID: 2119481). An algorithm developed to predict the effect of missense changes on protein structure and function (PolyPhen-2) suggests that this variant is likely to be tolerated. In summary, the available evidence is currently insufficient to determine the role of this variant in disease. Therefore, it has been classified as a Variant of Uncertain Significance.